The following is an entry in ClinVar:

NM_006885.4(ZFHX3):c.1723G>A (p.Glu575Lys)

Gene: ZFHX3 (zinc finger homeobox 3; minus strand). Cytogenetic location: 16q22.3.
Variant type: single nucleotide variant.
Coding change: c.1723G>A on transcript NM_006885.4 (MANE Select); coding-DNA position 1723, G replaced by A.
Protein change: p.Glu575Lys; replaces glutamic acid 575 with lysine.
Molecular consequence: missense variant. On other transcripts: intron variant (1).
Genome position (GRCh38, 1-based): chr16:72,958,423, C>T on the plus strand (G>A on the coding strand, the complement: ZFHX3 is on the minus strand). VCF-style: chr16-72958423-C-T. GRCh37 (hg19) VCF-style: chr16-72992322-C-T.
Other names: c.1723G>A, p.Glu575Lys (NM_001386735.1); c.-23-7458G>A (NM_001164766.2); short protein forms E575K.
Identifiers: ClinVar variation 5008007 (VCV005008007.1).
Genomic context (GRCh38, chr16:72,958,423, plus strand): 5'-CACTTTCGTCAGCGAAGTCCAGCCTCCTGCCGCCCTCTGCCACATTGGCCCTGACGCCCT[C>T]ACTGTTAAAGCTTAAACGATTCCTCCTGTTCGCACCATCAAAGACAACAAAGGAAGAAGC-3'
Protein context (NP_008816.3, residues 565-585): NRRNRLSFNS[Glu575Lys]GVRANVAEGG

ClinVar aggregate classification (germline): Uncertain significance (1 of 4 stars; one submission).

Submission:

GeneDx
Classification: Uncertain significance. Last evaluated: 2026-02-25. Review status: criteria provided, single submitter. Criteria: GeneDx Variant Classification Process June 2021. Collection method: clinical testing. Allele origin: germline.
Comment: Not observed at significant frequency in large population cohorts (gnomAD); In silico analysis suggests that this missense variant does not alter protein structure/function; Has not been previously published as pathogenic or benign to our knowledge